The following is an entry in ClinVar:

NM_003068.5(SNAI2):c.93G>A (p.Pro31=)

Gene: SNAI2 (snail family transcriptional repressor 2; minus strand). Cytogenetic location: 8q11.21.
Variant type: single nucleotide variant.
Coding change: c.93G>A on transcript NM_003068.5 (MANE Select); coding-DNA position 93, G replaced by A.
Protein change: p.Pro31=; no amino-acid change (proline 31 retained).
Molecular consequence: synonymous variant.
Genome position (GRCh38, 1-based): chr8:48,920,428, C>T on the plus strand (G>A on the coding strand, the complement: SNAI2 is on the minus strand). VCF-style: chr8-48920428-C-T. GRCh37 (hg19) VCF-style: chr8-49832987-C-T.
Identifiers: ClinVar variation 681165 (VCV000681165.8), dbSNP rs555086214, ClinGen allele CA4743551.

ClinVar aggregate classification (germline): Likely benign. Review status: criteria provided, multiple submitters, no conflicts (2 of 4 stars). 3 submissions from 3 submitters: Likely benign (2). 1 of the submissions does not count toward it. Last evaluated 2024-09-16.

Conditions:
SNAI2-related disorder. Also called: SNAI2-related condition.

Allele frequency attached by ClinVar (database versions not stated): gnomAD 0.00002; TOPMed 0.00003.

Submissions (3):

Labcorp Genetics (formerly Invitae), Labcorp
Classification: Likely benign. Last evaluated: 2024-09-16. Review status: criteria provided, single submitter. Criteria: Invitae Variant Classification Sherloc (09022015). Collection method: clinical testing. Allele origin: germline.

GeneDx
Classification: Likely benign. Last evaluated: 2021-03-17. Review status: criteria provided, single submitter. Criteria: GeneDx Variant Classification Process June 2021. Collection method: clinical testing. Allele origin: germline. Affected: yes.

PreventionGenetics, part of Exact Sciences
Classification: Likely benign for SNAI2-related condition. Last evaluated: 2019-03-12. Review status: no assertion criteria provided. Collection method: clinical testing. Allele origin: germline. Not counted in ClinVar's aggregate classification.
Comment: This variant is classified as likely benign based on ACMG/AMP sequence variant interpretation guidelines (Richards et al. 2015 PMID: 25741868, with internal and published modifications).